The following is an entry in ClinVar:

ClinVar aggregate classification (germline): Uncertain significance (1 of 4 stars; one submission).

Conditions:
Developmental and epileptic encephalopathy, 9 (DEE9). Also called: Early infantile epileptic encephalopathy 9; EPILEPSY, FEMALE-RESTRICTED, WITH MENTAL RETARDATION; JUBERG-HELLMAN SYNDROME; PCDH19-Related X-Linked Female-Limited Epilepsy with Mental Retardation. Identifiers: Orphanet 101039, Orphanet 2076, MedGen C1848137, MONDO:0010246, OMIM 300088. Disease mechanism: loss of function.

Allele frequency attached by ClinVar (database versions not stated): TOPMed 0.00003.
gnomAD v4.1: 7 of 1,207,763 alleles (0.00058%); highest among the groups gnomAD compares: Non-Finnish European, 0.00078%; no homozygotes.

Submission:

Labcorp Genetics (formerly Invitae), Labcorp
Classification: Uncertain significance for Developmental and epileptic encephalopathy, 9. Last evaluated: 2024-02-06. Review status: criteria provided, single submitter. Criteria: Invitae Variant Classification Sherloc (09022015). Collection method: clinical testing. Allele origin: germline.
Comment: This sequence change replaces serine, which is neutral and polar, with phenylalanine, which is neutral and non-polar, at codon 185 of the PCDH19 protein (p.Ser185Phe). This variant is not present in population databases (gnomAD no frequency). This variant has not been reported in the literature in individuals affected with PCDH19-related conditions. Advanced modeling of protein sequence and biophysical properties (such as structural, functional, and spatial information, amino acid conservation, physicochemical variation, residue mobility, and thermodynamic stability) has been performed at Invitae for this missense variant, however the output from this modeling did not meet the statistical confidence thresholds required to predict the impact of this variant on PCDH19 protein function. In summary, the available evidence is currently insufficient to determine the role of this variant in disease. Therefore, it has been classified as a Variant of Uncertain Significance.

NM_001184880.2(PCDH19):c.554C>T (p.Ser185Phe)

Gene: PCDH19 (protocadherin 19; minus strand). Cytogenetic location: Xq22.1.
Variant type: single nucleotide variant.
Coding change: c.554C>T on transcript NM_001184880.2 (MANE Select); coding-DNA position 554, C replaced by T.
Protein change: p.Ser185Phe; replaces serine 185 with phenylalanine.
Molecular consequence: missense variant.
Genome position (GRCh38, 1-based): chrX:100,408,044, G>A on the plus strand (C>T on the coding strand, the complement: PCDH19 is on the minus strand). VCF-style: chrX-100408044-G-A. GRCh37 (hg19) VCF-style: chrX-99663042-G-A.
Other names: c.554C>T, p.Ser185Phe (NM_001105243.2, NM_020766.3); short protein forms S185F.
Identifiers: ClinVar variation 2726526 (VCV002726526.3), dbSNP rs1021487859, ClinGen allele CA333826093.